The following is an entry in ClinVar:

NM_024577.4(SH3TC2):c.282C>G (p.Asp94Glu)

Gene: SH3TC2 (SH3 domain and tetratricopeptide repeats 2; minus strand). Cytogenetic location: 5q32.
Variant type: single nucleotide variant.
Coding change: c.282C>G on transcript NM_024577.4 (MANE Select); coding-DNA position 282, C replaced by G.
Protein change: p.Asp94Glu; replaces aspartic acid 94 with glutamic acid.
Molecular consequence: missense variant.
Genome position (GRCh38, 1-based): chr5:149,044,636, G>C on the plus strand (C>G on the coding strand, the complement: SH3TC2 is on the minus strand). VCF-style: chr5-149044636-G-C. GRCh37 (hg19) VCF-style: chr5-148424199-G-C.
Other names: short protein forms D94E.
Identifiers: ClinVar variation 1492976 (VCV001492976.8), dbSNP rs1453743523, ClinGen allele CA361677028.

ClinVar aggregate classification (germline): Uncertain significance (1 of 4 stars; one submission).

Conditions:
Charcot-Marie-Tooth disease type 4. Also called: Charcot-Marie-Tooth, Type 4; Charcot-Marie-Tooth disease, type IV. Identifiers: Orphanet 64749, MedGen C4082197, MONDO:0018995.

Submission:

Labcorp Genetics (formerly Invitae), Labcorp
Classification: Uncertain significance for Charcot-Marie-Tooth disease type 4. Last evaluated: 2021-03-15. Review status: criteria provided, single submitter. Criteria: Invitae Variant Classification Sherloc (09022015). Collection method: clinical testing. Allele origin: germline.
Comment: This sequence change replaces aspartic acid with glutamic acid at codon 94 of the SH3TC2 protein (p.Asp94Glu). The aspartic acid residue is highly conserved and there is a small physicochemical difference between aspartic acid and glutamic acid. In summary, the available evidence is currently insufficient to determine the role of this variant in disease. Therefore, it has been classified as a Variant of Uncertain Significance. Algorithms developed to predict the effect of missense changes on protein structure and function output the following: SIFT: "Deleterious"; PolyPhen-2: "Benign"; Align-GVGD: "Class C35". The glutamic acid amino acid residue is found in multiple mammalian species, suggesting that this missense change does not adversely affect protein function. These predictions have not been confirmed by published functional studies and their clinical significance is uncertain. This variant has not been reported in the literature in individuals with SH3TC2-related conditions. This variant is not present in population databases (ExAC no frequency).